The following is an entry in ClinVar:

NM_006015.6(ARID1A):c.5125C>T (p.Leu1709Phe)

Gene: ARID1A (AT-rich interaction domain 1A; plus strand). Cytogenetic location: 1p36.11.
Variant type: single nucleotide variant.
Coding change: c.5125C>T on transcript NM_006015.6 (MANE Select); coding-DNA position 5125, C replaced by T.
Protein change: p.Leu1709Phe; replaces leucine 1709 with phenylalanine.
Molecular consequence: missense variant.
Genome position (GRCh38, 1-based): chr1:26,779,023, C>T. VCF-style: chr1-26779023-C-T. GRCh37 (hg19) VCF-style: chr1-27105514-C-T.
Other names: c.5125C>T (NM_006015.4); c.4474C>T, p.Leu1492Phe (NM_139135.4); short protein forms L1492F, L1709F.
Identifiers: ClinVar variation 1012518 (VCV001012518.39), dbSNP rs2081163988, ClinGen allele CA339183889.

ClinVar aggregate classification (germline): Conflicting classifications of pathogenicity. Review status: criteria provided, conflicting classifications (1 of 4 stars). 3 submissions from 3 submitters: Likely pathogenic (1); Uncertain significance (2). Last evaluated 2026-02-25.

Conditions:
Inborn genetic diseases. Identifiers: MedGen C0950123, MeSH D030342.

Submissions (3):

Ambry Genetics
Classification: Uncertain significance for Inborn genetic diseases. Last evaluated: 2026-02-25. Review status: criteria provided, single submitter. Criteria: Ambry Variant Classification Scheme 2023. Collection method: clinical testing. Allele origin: germline.

GeneDx
Classification: Uncertain significance. Last evaluated: 2022-09-29. Review status: criteria provided, single submitter. Criteria: GeneDx Variant Classification Process June 2021. Collection method: clinical testing. Allele origin: germline. Affected: yes.
Comment: Not observed at significant frequency in large population cohorts (gnomAD); In silico analysis supports that this missense variant has a deleterious effect on protein structure/function; Has not been previously published as pathogenic or benign to our knowledge

CeGaT Center for Human Genetics Tuebingen
Classification: Likely pathogenic. Last evaluated: 2021-01-01. Review status: criteria provided, single submitter. Criteria: CeGaT Center For Human Genetics Tuebingen Variant Classification Criteria Version 2. Collection method: clinical testing. Allele origin: germline. Affected: yes. Observed: 1 variant allele.